The following is an entry in ClinVar:

ClinVar aggregate classification (germline): Benign (3 of 4 stars; one submission).

Conditions:
Breast-ovarian cancer, familial, susceptibility to, 1 (BROVCA1). Also called: BRCA1 Hereditary Breast and Ovarian Cancer; OVARIAN CANCER, SUSCEPTIBILITY TO. Identifiers: Orphanet 145, MedGen C2676676, MONDO:0011450, OMIM 604370. Disease mechanism: loss of function.

Allele frequency attached by ClinVar (database versions not stated): TOPMed 0.00048; gnomAD 0.00051 and 0.00054; 1000 Genomes Project 0.00140; 1000 Genomes Project 30x 0.00172.
gnomAD v4.1: 81 of 152,244 alleles (0.053%); highest among the groups gnomAD compares: African/African-American, 0.19%; 1 homozygote.

Submission:

Evidence-based Network for the Interpretation of Germline Mutant Alleles (ENIGMA)
Classification: Benign for Breast-ovarian cancer, familial 1. Last evaluated: 2015-01-12. Review status: reviewed by expert panel. Criteria: ENIGMA BRCA1/2 Classification Criteria (2015). Collection method: curation. Allele origin: germline.
Comment: Class 1 not pathogenic based on frequency >1% in an outbred sampleset. Frequency 0.01423 (African), derived from 1000 genomes (2012-04-30).

NM_007294.4(BRCA1):c.5193+2032G>A

Gene: BRCA1 (BRCA1 DNA repair associated; minus strand). Cytogenetic location: 17q21.31.
Variant type: single nucleotide variant.
Coding change: c.5193+2032G>A on transcript NM_007294.4 (MANE Select); 2032 bases into the intron after coding-DNA position 5193, G replaced by A.
Molecular consequence: intron variant.
Genome position (GRCh38, 1-based): chr17:43,061,301, C>T on the plus strand (G>A on the coding strand, the complement: BRCA1 is on the minus strand). VCF-style: chr17-43061301-C-T. GRCh37 (hg19) VCF-style: chr17-41213318-C-T.
Other names: IVS 19+2032G>A; c.1740+2032G>A (NM_001408458.1, NM_001408461.1, NM_001408464.1 and 7 more transcripts); c.4302+2032G>A (NM_001407967.1); c.4812+2032G>A (NM_001407959.1); c.4926+2032G>A (NM_001407931.1, NM_001407932.1, NM_001407928.1 and 4 more transcripts); c.5049+2032G>A (NM_001407747.1, NM_001407745.1, NM_001407737.1 and 21 more transcripts); c.4809+2032G>A (NM_001407962.1, NM_001407960.1); c.1380+2032G>A (NM_001408512.1); and 73 more.
Identifiers: ClinVar variation 209312 (VCV000209312.2), dbSNP rs139650794, ClinGen allele CA276284.